The following is an entry in ClinVar:

NM_000243.3(MEFV):c.2246C>A (p.Ser749Tyr)

Gene: MEFV (MEFV innate immunity regulator, pyrin; minus strand). Cytogenetic location: 16p13.3.
Variant type: single nucleotide variant.
Coding change: c.2246C>A on transcript NM_000243.3 (MANE Select); coding-DNA position 2246, C replaced by A.
Protein change: p.Ser749Tyr; replaces serine 749 with tyrosine.
Molecular consequence: missense variant. On other transcripts: 3 prime UTR variant (1).
Genome position (GRCh38, 1-based): chr16:3,243,241, G>T on the plus strand (C>A on the coding strand, the complement: MEFV is on the minus strand). VCF-style: chr16-3243241-G-T. GRCh37 (hg19) VCF-style: chr16-3293241-G-T.
Other names: c.*450C>A (NM_001198536.2); short protein forms S749Y.
Identifiers: ClinVar variation 886836 (VCV000886836.6), dbSNP rs104895171, ClinGen allele CA7859847.

ClinVar aggregate classification (germline): Uncertain significance. Review status: criteria provided, multiple submitters, no conflicts (2 of 4 stars). 3 submissions from 3 submitters: Uncertain significance (3). Last evaluated 2024-12-31.

Conditions:
Familial Mediterranean fever (FMF). Also called: POLYSEROSITIS, FAMILIAL PAROXYSMAL; POLYSEROSITIS, RECURRENT; Periodic peritonitis; Benign paroxysmal peritonitis. Identifiers: Orphanet 342, MedGen C0031069, MONDO:0018088, OMIM 249100. Disease mechanism: gain of function.
Familial Mediterranean fever, autosomal dominant. Also called: FMF, AUTOSOMAL DOMINANT; Dominant Familial Mediterranean Fever. Identifiers: Orphanet 342, MedGen C1851347, MONDO:0007601, OMIM 134610.
Acute febrile neutrophilic dermatosis (AFND). Also called: Sweet Syndrome; Gomm Button disease. Identifiers: Orphanet 3243, MedGen C0085077, MONDO:0011959, OMIM 608068.

Allele frequency attached by ClinVar (database versions not stated): TOPMed 0.00004.

Submissions (3):

Labcorp Genetics (formerly Invitae), Labcorp
Classification: Uncertain significance for Familial Mediterranean fever. Last evaluated: 2024-12-31. Review status: criteria provided, single submitter. Criteria: Invitae Variant Classification Sherloc (09022015). Collection method: clinical testing. Allele origin: germline.
Comment: This sequence change replaces serine, which is neutral and polar, with tyrosine, which is neutral and polar, at codon 749 of the MEFV protein (p.Ser749Tyr). This variant is present in population databases (rs104895171, gnomAD 0.05%). This variant has not been reported in the literature in individuals affected with MEFV-related conditions. ClinVar contains an entry for this variant (Variation ID: 886836). An algorithm developed to predict the effect of missense changes on protein structure and function (PolyPhen-2) suggests that this variant is likely to be disruptive. In summary, the available evidence is currently insufficient to determine the role of this variant in disease. Therefore, it has been classified as a Variant of Uncertain Significance.

Fulgent Genetics
Classification: Uncertain significance for Familial Mediterranean fever, autosomal dominant; Familial Mediterranean fever; Acute febrile neutrophilic dermatosis. Last evaluated: 2024-04-15. Review status: criteria provided, single submitter. Criteria: ACMG Guidelines, 2015. Collection method: clinical testing. Allele origin: germline.

Illumina Laboratory Services, Illumina
Classification: Uncertain significance for Familial Mediterranean fever. Last evaluated: 2017-04-27. Review status: criteria provided, single submitter. Criteria: ICSL Variant Classification Criteria 13 December 2019. Collection method: clinical testing. Allele origin: germline.